The following is an entry in ClinVar:

ClinVar aggregate classification (germline): Conflicting classifications of pathogenicity. Review status: criteria provided, conflicting classifications (1 of 4 stars). 2 submissions from 2 submitters: Uncertain significance (1); Likely benign (1). Last evaluated 2025-12-17.

Conditions:
Hereditary cancer-predisposing syndrome. Also called: Hereditary Cancer Syndrome; Hereditary neoplastic syndrome; Neoplastic Syndromes, Hereditary; Tumor predisposition. Identifiers: Orphanet 140162, MedGen C0027672, MeSH D009386, MONDO:0015356.
Bloom syndrome (BLM). Also called: Bloom-Torre-Machacek syndrome. Identifiers: Orphanet 125, MedGen C0005859, MONDO:0008876, OMIM 210900.

Allele frequency attached by ClinVar (database versions not stated): ExAC 0.00001; gnomAD 0.00001; gnomAD exomes 0.00001.
gnomAD v4.1: 9 of 1,599,588 alleles (0.00056%); highest among the groups gnomAD compares: Non-Finnish European, 0.00077%; no homozygotes.

Submissions (2):

Labcorp Genetics (formerly Invitae), Labcorp
Classification: Uncertain significance for Bloom syndrome. Last evaluated: 2025-12-17. Review status: criteria provided, single submitter. Criteria: Invitae Variant Classification Sherloc (09022015). Collection method: clinical testing. Allele origin: germline.
Comment: This sequence change replaces tyrosine, which is neutral and polar, with cysteine, which is neutral and slightly polar, at codon 551 of the BLM protein (p.Tyr551Cys). This variant is present in population databases (rs746571244, gnomAD 0.003%). This variant has not been reported in the literature in individuals affected with BLM-related conditions. ClinVar contains an entry for this variant (Variation ID: 405284). Invitae Evidence Modeling of protein sequence and biophysical properties (such as structural, functional, and spatial information, amino acid conservation, physicochemical variation, residue mobility, and thermodynamic stability) indicates that this missense variant is not expected to disrupt BLM protein function with a negative predictive value of 80%. In summary, the available evidence is currently insufficient to determine the role of this variant in disease. Therefore, it has been classified as a Variant of Uncertain Significance.

Ambry Genetics
Classification: Likely benign for Hereditary cancer-predisposing syndrome. Last evaluated: 2021-02-01. Review status: criteria provided, single submitter. Criteria: Ambry Variant Classification Scheme 2023. Collection method: clinical testing. Allele origin: germline.

NM_000057.4(BLM):c.1652A>G (p.Tyr551Cys)

Gene: BLM (BLM RecQ like helicase; plus strand). Cytogenetic location: 15q26.1.
Variant type: single nucleotide variant.
Coding change: c.1652A>G on transcript NM_000057.4 (MANE Select); coding-DNA position 1652, A replaced by G.
Protein change: p.Tyr551Cys; replaces tyrosine 551 with cysteine.
Molecular consequence: missense variant.
Genome position (GRCh38, 1-based): chr15:90,761,025, A>G. VCF-style: chr15-90761025-A-G. GRCh37 (hg19) VCF-style: chr15-91304255-A-G.
Other names: c.1652A>G, p.Tyr551Cys (NM_001287246.2, NM_001287247.2); c.527A>G, p.Tyr176Cys (NM_001287248.2); short protein forms Y551C, Y176C.
Identifiers: ClinVar variation 405284 (VCV000405284.10), dbSNP rs746571244, ClinGen allele CA7738568.